The following is an entry in ClinVar:

ClinVar aggregate classification (germline): Uncertain significance (1 of 4 stars; one submission).

Conditions:
Inborn genetic diseases. Identifiers: MedGen C0950123, MeSH D030342.

Submission:

Ambry Genetics
Classification: Uncertain significance for Inborn genetic diseases. Last evaluated: 2021-01-29. Review status: criteria provided, single submitter. Criteria: Ambry Variant Classification Scheme 2023. Collection method: clinical testing. Allele origin: germline.
Comment: The c.712A>G (p.N238D) alteration is located in exon 7 (coding exon 7) of the RELN gene. This alteration results from a A to G substitution at nucleotide position 712, causing the asparagine (N) at amino acid position 238 to be replaced by an aspartic acid (D). The p.N238D alteration is predicted to be tolerated by in silico analysis. Based on insufficient or conflicting evidence, the clinical significance of this alteration remains unclear.

NM_005045.4(RELN):c.712A>G (p.Asn238Asp)

Gene: RELN (reelin; minus strand). Cytogenetic location: 7q22.1.
Variant type: single nucleotide variant.
Coding change: c.712A>G on transcript NM_005045.4 (MANE Select); coding-DNA position 712, A replaced by G.
Protein change: p.Asn238Asp; replaces asparagine 238 with aspartic acid.
Molecular consequence: missense variant.
Genome position (GRCh38, 1-based): chr7:103,728,152, T>C on the plus strand (A>G on the coding strand, the complement: RELN is on the minus strand). VCF-style: chr7-103728152-T-C. GRCh37 (hg19) VCF-style: chr7-103368599-T-C.
Other names: c.712A>G, p.Asn238Asp (NM_173054.3); short protein forms N238D.
Identifiers: ClinVar variation 2228943 (VCV002228943.2), dbSNP rs2484996146, ClinGen allele CA368929199.